The following is an entry in ClinVar:

NM_001369.3(DNAH5):c.10493del (p.Gly3498fs)

Gene: DNAH5 (dynein axonemal heavy chain 5; minus strand). Cytogenetic location: 5p15.2.
Variant type: Deletion.
Coding change: c.10493del on transcript NM_001369.3 (MANE Select); coding-DNA position 10493, one base deleted (G; older notation c.10493delG).
Protein change: p.Gly3498fs; shifts the reading frame from glycine 3498.
Molecular consequence: frameshift variant.
Genome position (GRCh38, 1-based): chr5:13,754,265, C deleted on the plus strand (G on the coding strand, the reverse complement: DNAH5 is on the minus strand); the first of 2 consecutive C bases (chr5:13,754,265-13,754,266); deleting either gives the same sequence. VCF-style (leftmost placement, unchanged base first): chr5-13754264-AC-A. GRCh37 (hg19) VCF-style: chr5-13754373-AC-A.
Other names: short protein forms G3498fs.
Identifiers: ClinVar variation 5015223 (VCV005015223.1).

ClinVar aggregate classification (germline): Pathogenic (1 of 4 stars; one submission).

Conditions:
Primary ciliary dyskinesia 3. Identifiers: Orphanet 244, MedGen C1837618, MONDO:0012085, OMIM 608644.

Submission:

Myriad Genetics, Inc.
Classification: Pathogenic for Primary ciliary dyskinesia 3. Last evaluated: 2025-11-16. Review status: criteria provided, single submitter. Criteria: Myriad Autosomal Dominant, Autosomal Recessive and X-Linked Classification Criteria (2023). Collection method: clinical testing. Allele origin: unknown.
Comment: NM_001369.2(DNAH5):c.10493delG(G3498Vfs*21) is expected to be pathogenic in the context of primary ciliary dyskinesia, DNAH5-related. This variant is predicted to lead to an abnormal or absent protein product due to the creation of a premature termination codon in DNAH5, a gene where loss-of-function variants are known to be pathogenic. Please note: this variant was assessed in the context of healthy population screening.